The following is an entry in ClinVar:

ClinVar aggregate classification (germline): Conflicting classifications of pathogenicity. Review status: criteria provided, conflicting classifications (1 of 4 stars). 3 submissions from 3 submitters: Uncertain significance (1); Likely benign (2). Last evaluated 2025-09-15.

Conditions:
Congenital contractural arachnodactyly (CCA). Also called: Arthrogryposis, distal, type 9; BEALS SYNDROME; Beals-Hecht syndrome. Identifiers: Orphanet 115, MedGen C0220668, MONDO:0007363, OMIM 121050.

Allele frequency attached by ClinVar (database versions not stated): gnomAD exomes below 0.00001; gnomAD 0.00001; TOPMed 0.00001.
gnomAD v4.1: 5 of 1,613,404 alleles (0.00031%); highest among the groups gnomAD compares: Admixed American, 0.0017%; no homozygotes.

Submissions (3):

Labcorp Genetics (formerly Invitae), Labcorp
Classification: Uncertain significance for Congenital contractural arachnodactyly. Last evaluated: 2025-09-15. Review status: criteria provided, single submitter. Criteria: Invitae Variant Classification Sherloc (09022015). Collection method: clinical testing. Allele origin: germline.
Comment: This sequence change falls in intron 40 of the FBN2 gene. It does not directly change the encoded amino acid sequence of the FBN2 protein. It affects a nucleotide within the consensus splice site. This variant is not present in population databases (gnomAD no frequency). This variant has not been reported in the literature in individuals affected with FBN2-related conditions. ClinVar contains an entry for this variant (Variation ID: 381757). Variants that disrupt the consensus splice site are a relatively common cause of aberrant splicing (PMID: 17576681, 9536098). Algorithms developed to predict the effect of sequence changes on RNA splicing suggest that this variant is not likely to affect RNA splicing. In summary, the available evidence is currently insufficient to determine the role of this variant in disease. Therefore, it has been classified as a Variant of Uncertain Significance.

Blueprint Genetics
Classification: Likely benign. Last evaluated: 2024-10-17. Review status: criteria provided, single submitter. Criteria: ACMG Guidelines, 2015. Collection method: clinical testing. Allele origin: germline.

GeneDx
Classification: Likely benign. Last evaluated: 2015-11-25. Review status: criteria provided, single submitter. Criteria: GeneDx Variant Classification (06012015). Collection method: clinical testing. Allele origin: germline. Affected: yes.
Comment: This variant is considered likely benign or benign based on one or more of the following criteria: it is a conservative change, it occurs at a poorly conserved position in the protein, it is predicted to be benign by multiple in silico algorithms, and/or has population frequency not consistent with disease.

Literature cited by the submitters: PubMed 17576681 (cited by Labcorp Genetics (formerly Invitae), Labcorp); PubMed 9536098 (cited by Labcorp Genetics (formerly Invitae), Labcorp).

NM_001999.4(FBN2):c.5201-3T>C

Gene: FBN2 (fibrillin 2; minus strand). Cytogenetic location: 5q23.3.
Variant type: single nucleotide variant.
Coding change: c.5201-3T>C on transcript NM_001999.4 (MANE Select); 3 bases into the intron before coding-DNA position 5201, T replaced by C.
Molecular consequence: intron variant.
Genome position (GRCh38, 1-based): chr5:128,309,402, A>G on the plus strand (T>C on the coding strand, the complement: FBN2 is on the minus strand). VCF-style: chr5-128309402-A-G. GRCh37 (hg19) VCF-style: chr5-127645094-A-G.
Identifiers: ClinVar variation 381757 (VCV000381757.7), dbSNP rs1057521162, ClinGen allele CA16605259.
Genomic context (GRCh38, chr5:128,309,402, plus strand): 5'-AACTCATTCTCACAAGTGGTTCCATTATAGCTTCGGTAGCAAAAGCTTTTTCTCATGTCT[A>G]TATAAAGAAAAACAAAGAAACTAGCCATTTGTATCCACGAGTAGTTTATAATGAAGCCCA-3'